The following is an entry in ClinVar:

ClinVar aggregate classification (germline): Uncertain significance (1 of 4 stars; one submission).

Allele frequency attached by ClinVar (database versions not stated): gnomAD exomes below 0.00001; gnomAD 0.00001.
gnomAD v4.1: 2 of 1,613,934 alleles (0.00012%); highest among the groups gnomAD compares: Non-Finnish European, 0.00017%; no homozygotes.

Submission:

Labcorp Genetics (formerly Invitae), Labcorp
Classification: Uncertain significance. Last evaluated: 2025-09-02. Review status: criteria provided, single submitter. Criteria: Invitae Variant Classification Sherloc (09022015). Collection method: clinical testing. Allele origin: germline.
Comment: This sequence change replaces glutamic acid, which is acidic and polar, with aspartic acid, which is acidic and polar, at codon 316 of the MCM4 protein (p.Glu316Asp). This variant is present in population databases (no rsID available, gnomAD 0.0009%). This variant has not been reported in the literature in individuals affected with MCM4-related conditions. ClinVar contains an entry for this variant (Variation ID: 2173072). Invitae Evidence Modeling of protein sequence and biophysical properties (such as structural, functional, and spatial information, amino acid conservation, physicochemical variation, residue mobility, and thermodynamic stability) indicates that this missense variant is not expected to disrupt MCM4 protein function with a negative predictive value of 80%. In summary, the available evidence is currently insufficient to determine the role of this variant in disease. Therefore, it has been classified as a Variant of Uncertain Significance.

NM_182746.3(MCM4):c.948G>T (p.Glu316Asp)

Gene: MCM4 (minichromosome maintenance complex component 4; plus strand). Cytogenetic location: 8q11.21.
Variant type: single nucleotide variant.
Coding change: c.948G>T on transcript NM_182746.3 (MANE Select); coding-DNA position 948, G replaced by T.
Protein change: p.Glu316Asp; replaces glutamic acid 316 with aspartic acid.
Molecular consequence: missense variant.
Genome position (GRCh38, 1-based): chr8:47,966,302, G>T. VCF-style: chr8-47966302-G-T. GRCh37 (hg19) VCF-style: chr8-48878862-G-T.
Other names: c.948G>T, p.Glu316Asp (NM_005914.4); short protein forms E316D.
Identifiers: ClinVar variation 2173072 (VCV002173072.4), dbSNP rs1456326251, ClinGen allele CA371149250.